The following is an entry in ClinVar:

NM_000065.5(C6):c.62C>T (p.Ala21Val)

Gene: C6 (complement C6; minus strand). Cytogenetic location: 5p13.1.
Variant type: single nucleotide variant.
Coding change: c.62C>T on transcript NM_000065.5 (MANE Select); coding-DNA position 62, C replaced by T.
Protein change: p.Ala21Val; replaces alanine 21 with valine.
Molecular consequence: missense variant.
Genome position (GRCh38, 1-based): chr5:41,203,169, G>A on the plus strand (C>T on the coding strand, the complement: C6 is on the minus strand). VCF-style: chr5-41203169-G-A. GRCh37 (hg19) VCF-style: chr5-41203271-G-A.
Other names: c.62C>T, p.Ala21Val (NM_001115131.4); c.62C>T (NM_000065.3); short protein forms A21V.
Identifiers: ClinVar variation 1000027 (VCV001000027.8), dbSNP rs770036049, ClinGen allele CA3252903.

ClinVar aggregate classification (germline): Uncertain significance. Review status: criteria provided, multiple submitters, no conflicts (2 of 4 stars). 3 submissions from 3 submitters: Uncertain significance (3). Last evaluated 2025-11-03.

Conditions:
C6-related disorder. Also called: C6-related condition.

Allele frequency attached by ClinVar (database versions not stated): TOPMed 0.00001; gnomAD 0.00003; ExAC 0.00004; gnomAD exomes 0.00005 and 0.00007.
gnomAD v4.1: 117 of 1,614,100 alleles (0.0072%); highest among the groups gnomAD compares: Middle Eastern, 1.3%; 4 homozygotes.

Submissions (3):

Labcorp Genetics (formerly Invitae), Labcorp
Classification: Uncertain significance. Last evaluated: 2025-11-03. Review status: criteria provided, single submitter. Criteria: Invitae Variant Classification Sherloc (09022015). Collection method: clinical testing. Allele origin: germline.
Comment: This sequence change replaces alanine, which is neutral and non-polar, with valine, which is neutral and non-polar, at codon 21 of the C6 protein (p.Ala21Val). This variant is present in population databases (rs770036049, gnomAD 0.007%). This variant has not been reported in the literature in individuals affected with C6-related conditions. ClinVar contains an entry for this variant (Variation ID: 1000027). An algorithm developed to predict the effect of missense changes on protein structure and function (PolyPhen-2) suggests that this variant is likely to be tolerated. In summary, the available evidence is currently insufficient to determine the role of this variant in disease. Therefore, it has been classified as a Variant of Uncertain Significance.

PreventionGenetics, part of Exact Sciences
Classification: Uncertain significance for C6-related condition. Last evaluated: 2025-06-10. Review status: criteria provided, single submitter. Criteria: ACMG Guidelines, 2015. Collection method: clinical testing. Allele origin: germline.
Comment: The C6 c.62C>T variant is predicted to result in the amino acid substitution p.Ala21Val. To our knowledge, this variant has not been reported in the literature. This variant is reported in 0.0097% of alleles in individuals of Ashkenazi Jewish descent in gnomAD. At this time, the clinical significance of this variant is uncertain due to the absence of conclusive functional and genetic evidence.

Breakthrough Genomics
Classification: Uncertain significance. Review status: criteria provided, single submitter. Criteria: ACMG Guidelines, 2015. Collection method: not provided. Allele origin: germline. Inheritance: Autosomal recessive inheritance. Affected: yes.